The following is an entry in ClinVar:

ClinVar aggregate classification (germline): Uncertain significance (1 of 4 stars; one submission).

gnomAD v4.1: 2 of 1,210,913 alleles (0.00017%); highest among the groups gnomAD compares: Non-Finnish European, 0.00022%; no homozygotes.

Submission:

GeneDx
Classification: Uncertain significance. Last evaluated: 2023-11-28. Review status: criteria provided, single submitter. Criteria: GeneDx Variant Classification Process June 2021. Collection method: clinical testing. Allele origin: germline. Affected: yes.
Comment: Not observed at significant frequency in large population cohorts (gnomAD); In silico analysis supports that this missense variant does not alter protein structure/function; Has not been previously published as pathogenic or benign to our knowledge

NM_002025.4(AFF2):c.3085A>G (p.Thr1029Ala)

Gene: AFF2 (ALF transcription elongation factor 2; plus strand). Cytogenetic location: Xq28.
Variant type: single nucleotide variant.
Coding change: c.3085A>G on transcript NM_002025.4 (MANE Select); coding-DNA position 3085, A replaced by G.
Protein change: p.Thr1029Ala; replaces threonine 1029 with alanine.
Molecular consequence: missense variant.
Genome position (GRCh38, 1-based): chrX:148,966,961, A>G. VCF-style: chrX-148966961-A-G. GRCh37 (hg19) VCF-style: chrX-148048491-A-G.
Other names: c.2980A>G, p.Thr994Ala (NM_001169124.2, NM_001169122.2); c.2968A>G, p.Thr990Ala (NM_001169125.2); c.2008A>G, p.Thr670Ala (NM_001170628.1); c.3055A>G, p.Thr1019Ala (NM_001169123.2); short protein forms T1019A, T1029A, T670A, T990A, T994A.
Identifiers: ClinVar variation 3365062 (VCV003365062.1).